The following is an entry in ClinVar:

ClinVar aggregate classification (germline): Uncertain significance (1 of 4 stars; one submission).

Conditions:
Nemaline myopathy 2 (NEM2). Also called: Nemaline myopathy 2, autosomal recessive. Identifiers: MedGen C1850569, MONDO:0009725, OMIM 256030.

Submission:

Labcorp Genetics (formerly Invitae), Labcorp
Classification: Uncertain significance for Nemaline myopathy 2. Last evaluated: 2022-02-22. Review status: criteria provided, single submitter. Criteria: Invitae Variant Classification Sherloc (09022015). Collection method: clinical testing. Allele origin: germline.
Comment: This sequence change replaces tyrosine, which is neutral and polar, with histidine, which is basic and polar, at codon 7177 of the NEB protein (p.Tyr7177His). This variant is not present in population databases (gnomAD no frequency). This variant has not been reported in the literature in individuals affected with NEB-related conditions. Algorithms developed to predict the effect of missense changes on protein structure and function are either unavailable or do not agree on the potential impact of this missense change (SIFT: "Deleterious"; PolyPhen-2: "Not Available"; Align-GVGD: "Class C0"). In summary, the available evidence is currently insufficient to determine the role of this variant in disease. Therefore, it has been classified as a Variant of Uncertain Significance.

NM_001164508.2(NEB):c.21424T>C (p.Tyr7142His)

Genes: NEB (nebulin; minus strand), RIF1 (replication timing regulatory factor 1; plus strand). Cytogenetic location: 2q23.3.
Variant type: single nucleotide variant.
Coding change: c.21424T>C on transcript NM_001164508.2 (MANE Select); coding-DNA position 21424, T replaced by C.
Protein change: p.Tyr7142His; replaces tyrosine 7142 with histidine.
Molecular consequence: missense variant.
Genome position (GRCh38, 1-based): chr2:151,531,890, A>G on the plus strand (T>C on the coding strand, the complement: NEB is on the minus strand). VCF-style: chr2-151531890-A-G. GRCh37 (hg19) VCF-style: chr2-152388404-A-G.
Other names: c.21424T>C, p.Tyr7142His (NM_001164507.2); c.21529T>C, p.Tyr7177His (NM_001271208.2); c.16321T>C, p.Tyr5441His (NM_004543.5); short protein forms Y5441H, Y7142H, Y7177H.
Identifiers: ClinVar variation 1969340 (VCV001969340.2), dbSNP rs2552140220, ClinGen allele CA348770641.